The following is an entry in ClinVar:

ClinVar aggregate classification (germline): Uncertain significance (1 of 4 stars; one submission).

Conditions:
Nephronophthisis. Also called: Juvenile Nephronophthisis. Identifiers: Orphanet 655, MedGen C0687120, MONDO:0019005, HP:0000090.

Submission:

Labcorp Genetics (formerly Invitae), Labcorp
Classification: Uncertain significance for Nephronophthisis. Last evaluated: 2021-07-18. Review status: criteria provided, single submitter. Criteria: Invitae Variant Classification Sherloc (09022015). Collection method: clinical testing. Allele origin: germline.
Comment: In summary, the available evidence is currently insufficient to determine the role of this variant in disease. Therefore, it has been classified as a Variant of Uncertain Significance. Algorithms developed to predict the effect of missense changes on protein structure and function are either unavailable or do not agree on the potential impact of this missense change (SIFT: "Deleterious"; PolyPhen-2: "Probably Damaging"; Align-GVGD: "Class C0"). This variant has not been reported in the literature in individuals affected with IQCB1-related conditions. This variant is not present in population databases (ExAC no frequency). This sequence change replaces proline with arginine at codon 563 of the IQCB1 protein (p.Pro563Arg). The proline residue is highly conserved and there is a moderate physicochemical difference between proline and arginine.

NM_001023570.4(IQCB1):c.1688C>G (p.Pro563Arg)

Gene: IQCB1 (IQ motif containing B1; minus strand). Cytogenetic location: 3q13.33.
Variant type: single nucleotide variant.
Coding change: c.1688C>G on transcript NM_001023570.4 (MANE Select); coding-DNA position 1688, C replaced by G.
Protein change: p.Pro563Arg; replaces proline 563 with arginine.
Molecular consequence: missense variant. On other transcripts: non-coding transcript variant (1).
Genome position (GRCh38, 1-based): chr3:121,770,454, G>C on the plus strand (C>G on the coding strand, the complement: IQCB1 is on the minus strand). VCF-style: chr3-121770454-G-C. GRCh37 (hg19) VCF-style: chr3-121489301-G-C.
Other names: c.1289C>G, p.Pro430Arg (NM_001023571.4); c.1688C>G, p.Pro563Arg (NM_001319107.2); short protein forms P563R, P430R.
Identifiers: ClinVar variation 1428621 (VCV001428621.8), dbSNP rs767653545, ClinGen allele CA354108709.